The following is an entry in ClinVar:

ClinVar aggregate classification (germline): Pathogenic (1 of 4 stars; one submission).

Submission:

Labcorp Genetics (formerly Invitae), Labcorp
Classification: Pathogenic. Last evaluated: 2021-11-28. Review status: criteria provided, single submitter. Criteria: Invitae Variant Classification Sherloc (09022015). Collection method: clinical testing. Allele origin: germline.
Comment: This variant is not present in population databases (gnomAD no frequency). This sequence change creates a premature translational stop signal (p.Met83Glufs*87) in the POU4F3 gene. While this is not anticipated to result in nonsense mediated decay, it is expected to disrupt the last 256 amino acid(s) of the POU4F3 protein. This variant has not been reported in the literature in individuals affected with POU4F3-related conditions. This variant disrupts a region of the POU4F3 protein in which other variant(s) (p.Gln113*) have been determined to be pathogenic (PMID: 27999687). This suggests that this is a clinically significant region of the protein, and that variants that disrupt it are likely to be disease-causing. For these reasons, this variant has been classified as Pathogenic.

Literature cited by the submitters: PubMed 27999687.

NM_002700.3(POU4F3):c.246_645delinsGG (p.Met83fs)

Genes: POU4F3 (POU class 4 homeobox 3; plus strand), RBM27-POU4F3 (RBM27-POU4F3 readthrough; plus strand). Cytogenetic location: 5q32.
Variant type: Indel.
Coding change: c.246_645delinsGG on transcript NM_002700.3 (MANE Select); coding-DNA positions 246 to 645, the reference bases replaced by GG.
Protein change: p.Met83fs; shifts the reading frame from methionine 83.
Molecular consequence: frameshift variant.
Genome position (GRCh38, 1-based): chr5:146,339,673-146,340,072, 400 bases replaced. GRCh37 (hg19): chr5:145,719,236-145,719,635.
Other names: short protein forms M83fs.
Identifiers: ClinVar variation 1366764 (VCV001366764.6), dbSNP rs2126961298, ClinGen allele CA2573139233.